The following is an entry in ClinVar:

ClinVar aggregate classification (germline): Uncertain significance (1 of 4 stars; one submission).

Conditions:
Neuronopathy, distal hereditary motor, autosomal recessive 4. Also called: Autosomal recessive lower motor neuron disease with childhood onset; NEUROPATHY, DISTAL HEREDITARY MOTOR, AUTOSOMAL RECESSIVE 4. Identifiers: Orphanet 206580, MedGen C1970211, MONDO:0012608, OMIM 611067.
Charcot-Marie-Tooth disease recessive intermediate C. Also called: CHARCOT-MARIE-TOOTH NEUROPATHY, RECESSIVE INTERMEDIATE C. Identifiers: Orphanet 369867, MedGen C3809309, MONDO:0014154, OMIM 615376.

Submission:

Labcorp Genetics (formerly Invitae), Labcorp
Classification: Uncertain significance for Neuronopathy, distal hereditary motor, autosomal recessive 4; Charcot-Marie-Tooth disease recessive intermediate C. Last evaluated: 2021-09-01. Review status: criteria provided, single submitter. Criteria: Invitae Variant Classification Sherloc (09022015). Collection method: clinical testing. Allele origin: germline.
Comment: This sequence change replaces methionine with isoleucine at codon 206 of the PLEKHG5 protein (p.Met206Ile). The methionine residue is moderately conserved and there is a small physicochemical difference between methionine and isoleucine. The frequency data for this variant in the population databases is considered unreliable, as metrics indicate insufficient coverage at this position in the ExAC database. This variant has not been reported in the literature in individuals affected with PLEKHG5-related conditions. Algorithms developed to predict the effect of missense changes on protein structure and function (SIFT, PolyPhen-2, Align-GVGD) all suggest that this variant is likely to be tolerated. In summary, the available evidence is currently insufficient to determine the role of this variant in disease. Therefore, it has been classified as a Variant of Uncertain Significance.

NM_020631.6(PLEKHG5):c.618G>T (p.Met206Ile)

Gene: PLEKHG5 (pleckstrin homology and RhoGEF domain containing G5; minus strand). Cytogenetic location: 1p36.31.
Variant type: single nucleotide variant.
Coding change: c.618G>T on transcript NM_020631.6 (MANE Select); coding-DNA position 618, G replaced by T.
Protein change: p.Met206Ile; replaces methionine 206 with isoleucine.
Molecular consequence: missense variant.
Genome position (GRCh38, 1-based): chr1:6,473,428, C>A on the plus strand (G>T on the coding strand, the complement: PLEKHG5 is on the minus strand). VCF-style: chr1-6473428-C-A. GRCh37 (hg19) VCF-style: chr1-6533488-C-A.
Other names: c.729G>T, p.Met243Ile (NM_001042663.3, NM_001265592.2); c.618G>T, p.Met206Ile (NM_001042664.2, NM_001042665.2, NM_001265594.3 and 1 more transcripts); c.825G>T, p.Met275Ile (NM_001265593.2); short protein forms M243I, M275I, M206I.
Identifiers: ClinVar variation 1470517 (VCV001470517.5), dbSNP rs1644658818, ClinGen allele CA338137294.